The following is an entry in ClinVar:

NM_004415.4(DSP):c.3449del (p.Lys1150fs)

Gene: DSP (desmoplakin; plus strand). Cytogenetic location: 6p24.3.
Variant type: Deletion.
Coding change: c.3449del on transcript NM_004415.4 (MANE Select); coding-DNA position 3449, one base deleted (A; older notation c.3449delA).
Protein change: p.Lys1150fs; shifts the reading frame from lysine 1150.
Molecular consequence: frameshift variant.
Genome position (GRCh38, 1-based): chr6:7,579,639, A deleted; the last of 4 consecutive A bases (chr6:7,579,636-7,579,639); deleting any one gives the same sequence. VCF-style (leftmost placement, unchanged base first): chr6-7579635-GA-G. GRCh37 (hg19) VCF-style: chr6-7579868-GA-G.
Other names: c.3449del, p.Lys1150fs (NM_001008844.3, NM_001319034.2); short protein forms K1150fs.
Identifiers: ClinVar variation 1454409 (VCV001454409.6), dbSNP rs2113691774, ClinGen allele CA2573140796.
Genomic context (GRCh38, chr6:7,579,635, plus strand): 5'-GAAGACAGATTTGACCAACAGAAGAATGACTATGACCAACTGCAGAAAGCAAGGCAATGT[GA>G]AAAGGAGAACCTTGGTTGGCAGAAATTAGAGTCTGAGAAAGCCATCAAGGAGAAGGAGTA-3'

ClinVar aggregate classification (germline): Pathogenic (1 of 4 stars; one submission).

Conditions:
Arrhythmogenic cardiomyopathy with wooly hair and keratoderma. Also called: PALMOPLANTAR KERATODERMA WITH LEFT VENTRICULAR CARDIOMYOPATHY AND WOOLLY HAIR; Carvajal syndrome; Dilated cardiomyopathy with woolly hair and keratoderma; Arrhythmogenic cardiomyopathy with woolly hair and keratoderma. Identifiers: Orphanet 65282, MedGen C1854063, MONDO:0011581, OMIM 605676.
Arrhythmogenic right ventricular dysplasia 8 (ARVD8). Also called: ARRHYTHMOGENIC RIGHT VENTRICULAR DYSPLASIA, FAMILIAL, 8; Arrhythmogenic Right Ventricular Dysplasia/Cardiomyopathy 8; ARRHYTHMOGENIC RIGHT VENTRICULAR CARDIOMYOPATHY 8. Identifiers: MedGen C1843896, MONDO:0011831, OMIM 607450.

Submission:

Labcorp Genetics (formerly Invitae), Labcorp
Classification: Pathogenic for Arrhythmogenic cardiomyopathy with wooly hair and keratoderma; Arrhythmogenic right ventricular dysplasia 8. Last evaluated: 2022-08-09. Review status: criteria provided, single submitter. Criteria: Invitae Variant Classification Sherloc (09022015). Collection method: clinical testing. Allele origin: germline.
Comment: For these reasons, this variant has been classified as Pathogenic. ClinVar contains an entry for this variant (Variation ID: 1454409). This variant has not been reported in the literature in individuals affected with DSP-related conditions. This variant is not present in population databases (gnomAD no frequency). This sequence change creates a premature translational stop signal (p.Lys1150Argfs*9) in the DSP gene. It is expected to result in an absent or disrupted protein product. Loss-of-function variants in DSP are known to be pathogenic (PMID: 20716751, 24503780, 25227139).

Literature cited by the submitters: PubMed 20716751; PubMed 24503780; PubMed 25227139.